The following is an entry in ClinVar:

ClinVar aggregate classification (germline): Uncertain significance (1 of 4 stars; one submission).

Allele frequency attached by ClinVar (database versions not stated): gnomAD exomes below 0.00001; gnomAD 0.00001.

Submission:

GeneDx
Classification: Uncertain significance. Last evaluated: 2022-09-12. Review status: criteria provided, single submitter. Criteria: GeneDx Variant Classification Process June 2021. Collection method: clinical testing. Allele origin: germline. Affected: yes.
Comment: Not observed at significant frequency in large population cohorts (gnomAD); In silico analysis supports that this missense variant does not alter protein structure/function; Has not been previously published as pathogenic or benign to our knowledge

NM_014168.4(METTL5):c.325G>A (p.Val109Met)

Gene: METTL5 (methyltransferase 5, N6-adenosine; minus strand). Cytogenetic location: 2q31.1.
Variant type: single nucleotide variant.
Coding change: c.325G>A on transcript NM_014168.4 (MANE Select); coding-DNA position 325, G replaced by A.
Protein change: p.Val109Met; replaces valine 109 with methionine.
Molecular consequence: missense variant.
Genome position (GRCh38, 1-based): chr2:169,821,173, C>T on the plus strand (G>A on the coding strand, the complement: METTL5 is on the minus strand). VCF-style: chr2-169821173-C-T. GRCh37 (hg19) VCF-style: chr2-170677683-C-T.
Other names: c.325G>A, p.Val109Met (NM_001293186.2, NM_001293187.2); short protein forms V109M.
Identifiers: ClinVar variation 2443588 (VCV002443588.1), dbSNP rs2081578627, ClinGen allele CA348897695.